The following is an entry in ClinVar:

NM_001399.5(EDA):c.1174T>C (p.Ter392Gln)

Gene: EDA (ectodysplasin A; plus strand). Cytogenetic location: Xq13.1.
Variant type: single nucleotide variant.
Coding change: c.1174T>C on transcript NM_001399.5 (MANE Select); coding-DNA position 1174, T replaced by C.
Protein change: p.Ter392Gln.
Molecular consequence: stop lost.
Genome position (GRCh38, 1-based): chrX:70,035,607, T>C. VCF-style: chrX-70035607-T-C. GRCh37 (hg19) VCF-style: chrX-69255457-T-C.
Other names: c.1168T>C, p.Ter390Gln (NM_001005609.2); c.1159T>C, p.Ter387Gln (NM_001005612.3).
Identifiers: ClinVar variation 1333212 (VCV001333212.1), dbSNP rs2147519482, ClinGen allele CA413450586.

ClinVar aggregate classification (germline): Likely pathogenic (1 of 4 stars; one submission).

Conditions:
Hypohidrotic X-linked ectodermal dysplasia (XHED). Also called: ECTODERMAL DYSPLASIA, HYPOHIDROTIC, 1; CST SYNDROME; ECTODERMAL DYSPLASIA 1; Ectodermal Dysplasia 1, Anhidrotic; Anhidrotic ectodermal dysplasia X-linked; Christ Siemens Touraine syndrome. Identifiers: Orphanet 181, Orphanet 238468, MedGen C0162359, MONDO:0010585, OMIM 305100.

Submission:

3billion
Classification: Likely pathogenic for Hypohidrotic X-linked ectodermal dysplasia. Last evaluated: 2022-01-03. Review status: criteria provided, single submitter. Criteria: ACMG Guidelines, 2015. Collection method: clinical testing. Allele origin: germline. Affected: yes. Observed: 1 hemizygote.
Comment: This loss of stop variant can change the length of the protein and disrupt protein function (PM4_M). The variant has been reported to be associated with EDA related disorder (PMID:12930312).It is not observed in the gnomAD v2.1.1 dataset (PM2_M).Therefore, this variant is classified as likely pathogenic according to the recommendation of ACMG/AMP guideline.

Literature cited by the submitters: PubMed 12930312.